The following is an entry in ClinVar:

NM_002203.4(ITGA2):c.780-11A>T

Gene: ITGA2 (integrin subunit alpha 2; plus strand). Cytogenetic location: 5q11.2.
Variant type: single nucleotide variant.
Coding change: c.780-11A>T on transcript NM_002203.4 (MANE Select); 11 bases into the intron before coding-DNA position 780, A replaced by T.
Molecular consequence: intron variant.
Genome position (GRCh38, 1-based): chr5:53,055,527, A>T. VCF-style: chr5-53055527-A-T. GRCh37 (hg19) VCF-style: chr5-52351357-A-T.
Identifiers: ClinVar variation 353742 (VCV000353742.7), dbSNP rs202058704, ClinGen allele CA3262715.

ClinVar aggregate classification (germline): Likely benign. Review status: criteria provided, multiple submitters, no conflicts (2 of 4 stars). 3 submissions from 3 submitters: Likely benign (3). Last evaluated 2024-11-24.

Conditions:
Platelet-type bleeding disorder 9 (BDPLT9). Also called: GLYCOPROTEIN Ia DEFICIENCY; GP Ia DEFICIENCY; COLLAGEN PLATELET RECEPTOR DEFICIENCY. Identifiers: Orphanet 73271, Orphanet 98886, MedGen C3280114, MONDO:0013622, OMIM 614200.

Allele frequency attached by ClinVar (database versions not stated): gnomAD 0.00011 and 0.00014; TOPMed 0.00012; 1000 Genomes Project 0.00060; 1000 Genomes Project 30x 0.00078.
gnomAD v4.1: 200 of 1,612,216 alleles (0.012%); highest among the groups gnomAD compares: Middle Eastern, 0.83%; 1 homozygote.

Submissions (3):

Blueprint Genetics
Classification: Likely benign. Last evaluated: 2024-11-24. Review status: criteria provided, single submitter. Criteria: ACMG Guidelines, 2015. Collection method: clinical testing. Allele origin: germline.

Illumina Laboratory Services, Illumina
Classification: Likely benign for Platelet-type bleeding disorder 9. Last evaluated: 2018-01-13. Review status: criteria provided, single submitter. Criteria: ICSL Variant Classification Criteria 13 December 2019. Collection method: clinical testing. Allele origin: germline.
Comment: This variant was observed in the ICSL laboratory as part of a predisposition screen in an ostensibly healthy population. It had not been previously curated by ICSL or reported in the Human Gene Mutation Database (HGMD: prior to June 1st, 2018), and was therefore a candidate for classification through an automated scoring system. Utilizing variant allele frequency, disease prevalence and penetrance estimates, and inheritance mode, an automated score was calculated to assess if this variant is too frequent to cause the disease. Based on the score and internal cut-off values, a variant classified as likely benign is not then subjected to further curation. The score for this variant resulted in a classification of likely benign for this disease.

Breakthrough Genomics
Classification: Likely benign. Review status: criteria provided, single submitter. Criteria: ACMG Guidelines, 2015. Collection method: not provided. Allele origin: germline. Inheritance: Unknown mechanism. Affected: yes.